The following is an entry in ClinVar:

ClinVar aggregate classification (germline): Uncertain significance. Review status: criteria provided, multiple submitters, no conflicts (2 of 4 stars). 2 submissions from 2 submitters: Uncertain significance (2). Last evaluated 2021-10-29.

Conditions:
Charcot-Marie-Tooth disease type 2R. Also called: CHARCOT-MARIE-TOOTH NEUROPATHY, TYPE 2R; CHARCOT-MARIE-TOOTH DISEASE, AXONAL, AUTOSOMAL RECESSIVE, TYPE 2R; Charcot-Marie-Tooth disease, axonal, type 2R. Identifiers: Orphanet 397968, MedGen C3809655, MONDO:0014208, OMIM 615490.

Allele frequency attached by ClinVar (database versions not stated): ExAC 0.00001; gnomAD exomes 0.00001.
gnomAD v4.1: 5 of 1,614,072 alleles (0.00031%); highest among the groups gnomAD compares: East Asian, 0.0045%; no homozygotes.

Submissions (2):

Ambry Genetics
Classification: Uncertain significance. Last evaluated: 2021-10-29. Review status: criteria provided, single submitter. Criteria: Ambry Variant Classification Scheme 2023. Collection method: clinical testing. Allele origin: germline.

Labcorp Genetics (formerly Invitae), Labcorp
Classification: Uncertain significance for Charcot-Marie-Tooth disease type 2R. Last evaluated: 2020-11-16. Review status: criteria provided, single submitter. Criteria: Invitae Variant Classification Sherloc (09022015). Collection method: clinical testing. Allele origin: germline.
Comment: In summary, the available evidence is currently insufficient to determine the role of this variant in disease. Therefore, it has been classified as a Variant of Uncertain Significance. This sequence change replaces threonine with methionine at codon 266 of the TRIM2 protein (p.Thr266Met). The threonine residue is highly conserved and there is a moderate physicochemical difference between threonine and methionine. This variant is present in population databases (rs767633857, ExAC 0.01%). This variant has not been reported in the literature in individuals with TRIM2-related conditions. Algorithms developed to predict the effect of missense changes on protein structure and function are either unavailable or do not agree on the potential impact of this missense change (SIFT: "Deleterious"; PolyPhen-2: "Possibly Damaging"; Align-GVGD: "Class C0").

NM_015271.5(TRIM2):c.878C>T (p.Thr293Met)

Gene: TRIM2 (tripartite motif containing 2; plus strand). Cytogenetic location: 4q31.3.
Variant type: single nucleotide variant.
Coding change: c.878C>T on transcript NM_015271.5 (MANE Select); coding-DNA position 878, C replaced by T.
Protein change: p.Thr293Met; replaces threonine 293 with methionine.
Molecular consequence: missense variant.
Genome position (GRCh38, 1-based): chr4:153,295,404, C>T. VCF-style: chr4-153295404-C-T. GRCh37 (hg19) VCF-style: chr4-154216556-C-T.
Other names: c.797C>T, p.Thr266Met (NM_001130067.2, NM_001351056.2, NM_001375512.1 and 5 more transcripts); c.851C>T, p.Thr284Met (NM_001351054.2); c.848C>T, p.Thr283Met (NM_001351055.2); c.422C>T, p.Thr141Met (NM_001351057.2); c.971C>T, p.Thr324Met (NM_001375488.1); c.968C>T, p.Thr323Met (NM_001375489.1); c.821C>T, p.Thr274Met (NM_001375490.1); c.818C>T, p.Thr273Met (NM_001375491.1); and 4 more; short protein forms T273M, T284M, T324M, T180M, T293M, T181M, T182M, T274M.
Identifiers: ClinVar variation 1498999 (VCV001498999.9), dbSNP rs767633857, ClinGen allele CA3108648.